The following is an entry in ClinVar:

ClinVar aggregate classification (germline): Uncertain significance. Review status: criteria provided, multiple submitters, no conflicts (2 of 4 stars). 2 submissions from 2 submitters: Uncertain significance (2). Last evaluated 2025-12-29.

Conditions:
Oligodontia-cancer predisposition syndrome. Also called: TOOTH AGENESIS-COLORECTAL CANCER SYNDROME. Identifiers: Orphanet 300576, MedGen C1837750, MONDO:0012075, OMIM 608615. Disease mechanism: loss of function.

Allele frequency attached by ClinVar (database versions not stated): TOPMed below 0.00001.

Submissions (2):

Center for Genomic Medicine, Rigshospitalet, Copenhagen University Hospital
Classification: Uncertain significance. Last evaluated: 2025-12-29. Review status: criteria provided, single submitter. Criteria: ACMG Guidelines, 2015. Collection method: clinical testing. Allele origin: germline.

Labcorp Genetics (formerly Invitae), Labcorp
Classification: Uncertain significance for Oligodontia-cancer predisposition syndrome. Last evaluated: 2025-06-16. Review status: criteria provided, single submitter. Criteria: Invitae Variant Classification Sherloc (09022015). Collection method: clinical testing. Allele origin: germline.
Comment: This sequence change replaces tyrosine, which is neutral and polar, with aspartic acid, which is acidic and polar, at codon 325 of the AXIN2 protein (p.Tyr325Asp). This variant is not present in population databases (gnomAD no frequency). This variant has not been reported in the literature in individuals affected with AXIN2-related conditions. ClinVar contains an entry for this variant (Variation ID: 2000527). Invitae Evidence Modeling of protein sequence and biophysical properties (such as structural, functional, and spatial information, amino acid conservation, physicochemical variation, residue mobility, and thermodynamic stability) indicates that this missense variant is expected to disrupt AXIN2 protein function with a positive predictive value of 80%. In summary, the available evidence is currently insufficient to determine the role of this variant in disease. Therefore, it has been classified as a Variant of Uncertain Significance.

NM_004655.4(AXIN2):c.973T>G (p.Tyr325Asp)

Gene: AXIN2 (axin 2; minus strand). Cytogenetic location: 17q24.1.
Variant type: single nucleotide variant.
Coding change: c.973T>G on transcript NM_004655.4 (MANE Select); coding-DNA position 973, T replaced by G.
Protein change: p.Tyr325Asp; replaces tyrosine 325 with aspartic acid.
Molecular consequence: missense variant.
Genome position (GRCh38, 1-based): chr17:65,541,541, A>C on the plus strand (T>G on the coding strand, the complement: AXIN2 is on the minus strand). VCF-style: chr17-65541541-A-C. GRCh37 (hg19) VCF-style: chr17-63537659-A-C.
Other names: c.973T>G, p.Tyr325Asp (NM_001363813.1); short protein forms Y325D.
Identifiers: ClinVar variation 2000527 (VCV002000527.5), dbSNP rs758075343, ClinGen allele CA400679368.